The following is an entry in ClinVar:

NM_000180.4(GUCY2D):c.2572C>A (p.Pro858Thr)

Gene: GUCY2D (guanylate cyclase 2D, retinal; plus strand). Cytogenetic location: 17p13.1.
Variant type: single nucleotide variant.
Coding change: c.2572C>A on transcript NM_000180.4 (MANE Select); coding-DNA position 2572, C replaced by A.
Protein change: p.Pro858Thr; replaces proline 858 with threonine.
Molecular consequence: missense variant.
Genome position (GRCh38, 1-based): chr17:8,014,760, C>A. VCF-style: chr17-8014760-C-A. GRCh37 (hg19) VCF-style: chr17-7918078-C-A.
Other names: short protein forms P858T.
Identifiers: ClinVar variation 1017676 (VCV001017676.9), dbSNP rs61750176, ClinGen allele CA287533114.

ClinVar aggregate classification (germline): Uncertain significance. Review status: criteria provided, multiple submitters, no conflicts (2 of 4 stars). 2 submissions from 2 submitters: Uncertain significance (2). Last evaluated 2024-05-23.

Conditions:
Cone-rod dystrophy 6 (CORD6). Also called: Cone dystrophy progressive; RETINAL CONE DYSTROPHY 2. Identifiers: Orphanet 1872, MedGen C1866293, MONDO:0011143, OMIM 601777.
Leber congenital amaurosis 1 (LCA1). Also called: AMAUROSIS CONGENITA OF LEBER I; RETINAL BLINDNESS, CONGENITAL; Congenital absence of the rods and cones; Leber's congenital tapetoretinal degeneration; Leber's congenital tapetoretinal dysplasia. Identifiers: Orphanet 65, MedGen C2931258, MONDO:0008764, OMIM 204000.

Allele frequency attached by ClinVar (database versions not stated): TOPMed below 0.00001; gnomAD exomes 0.00001.
gnomAD v4.1: 7 of 1,613,470 alleles (0.00043%); highest among the groups gnomAD compares: South Asian, 0.0022%; no homozygotes.

Submissions (2):

Blueprint Genetics
Classification: Uncertain significance. Last evaluated: 2024-05-23. Review status: criteria provided, single submitter. Criteria: ACMG Guidelines, 2015. Collection method: clinical testing. Allele origin: germline.

Labcorp Genetics (formerly Invitae), Labcorp
Classification: Uncertain significance for Leber congenital amaurosis 1; Cone-rod dystrophy 6. Last evaluated: 2021-07-20. Review status: criteria provided, single submitter. Criteria: Invitae Variant Classification Sherloc (09022015). Collection method: clinical testing. Allele origin: germline.
Comment: This sequence change replaces proline with threonine at codon 858 of the GUCY2D protein (p.Pro858Thr). The proline residue is highly conserved and there is a small physicochemical difference between proline and threonine. This variant is not present in population databases (ExAC no frequency). This variant has been observed in individual(s) with clinical features of cone-rod dystrophy (Invitae). Algorithms developed to predict the effect of missense changes on protein structure and function (SIFT, PolyPhen-2, Align-GVGD) all suggest that this variant is likely to be disruptive, but these predictions have not been confirmed by published functional studies and their clinical significance is uncertain. This variant disrupts the p.Pro858 amino acid residue in GUCY2D. Other variant(s) that disrupt this residue have been observed in individuals with GUCY2D-related conditions (PMID: 11035546), which suggests that this may be a clinically significant amino acid residue. In summary, the available evidence is currently insufficient to determine the role of this variant in disease. Therefore, it has been classified as a Variant of Uncertain Significance.

Literature cited by the submitters: PubMed 11035546 (cited by Labcorp Genetics (formerly Invitae), Labcorp).